The following is an entry in ClinVar:

ClinVar aggregate classification (germline): Uncertain significance. Review status: criteria provided, single submitter (1 of 4 stars). 2 submissions from 2 submitters: Uncertain significance (1). 1 of the submissions does not count toward it. Last evaluated 2021-11-06.

Conditions:
Juvenile retinoschisis (RS1). Also called: X-linked retinoschisis; X-Linked Juvenile Retinoschisis. Identifiers: Orphanet 792, MedGen C3714753, MONDO:0010725, OMIM 312700.

Allele frequency attached by ClinVar (database versions not stated): gnomAD exomes below 0.00001 and 0.00001; ExAC 0.00001; TOPMed 0.00002.
gnomAD v4.1: 1 of 1,211,050 alleles (0.000083%); highest among the groups gnomAD compares: Admixed American, 0.0022%; no homozygotes.

Submissions (2):

Labcorp Genetics (formerly Invitae), Labcorp
Classification: Uncertain significance. Last evaluated: 2021-11-06. Review status: criteria provided, single submitter. Criteria: Invitae Variant Classification Sherloc (09022015). Collection method: clinical testing. Allele origin: germline.
Comment: This sequence change replaces threonine, which is neutral and polar, with proline, which is neutral and non-polar, at codon 97 of the RS1 protein (p.Thr97Pro). This variant is present in population databases (rs746374375, gnomAD 0.004%). This variant has not been reported in the literature in individuals affected with RS1-related conditions. Advanced modeling of protein sequence and biophysical properties (such as structural, functional, and spatial information, amino acid conservation, physicochemical variation, residue mobility, and thermodynamic stability) performed at Invitae indicates that this missense variant is expected to disrupt RS1 protein function. In summary, the available evidence is currently insufficient to determine the role of this variant in disease. Therefore, it has been classified as a Variant of Uncertain Significance.

Natera, Inc.
Classification: Uncertain significance for X-linked retinoschisis. Last evaluated: 2025-04-18. Review status: no assertion criteria provided. Collection method: clinical testing. Allele origin: germline. Not counted in ClinVar's aggregate classification.

NM_000330.4(RS1):c.289A>C (p.Thr97Pro)

Genes: CDKL5 (cyclin dependent kinase like 5; plus strand), RS1 (retinoschisin 1; minus strand). Cytogenetic location: Xp22.13.
Variant type: single nucleotide variant.
Coding change: c.289A>C on transcript NM_000330.4 (MANE Select); coding-DNA position 289, A replaced by C.
Protein change: p.Thr97Pro; replaces threonine 97 with proline.
Molecular consequence: missense variant. On other transcripts: intron variant (2).
Genome position (GRCh38, 1-based): chrX:18,647,228, T>G on the plus strand (A>C on the coding strand, the complement: RS1 is on the minus strand). VCF-style: chrX-18647228-T-G. GRCh37 (hg19) VCF-style: chrX-18665348-T-G.
Other names: c.2797+1138T>G (NM_003159.3, NM_001037343.2); short protein forms T97P.
Identifiers: ClinVar variation 1391990 (VCV001391990.6), dbSNP rs746374375, ClinGen allele CA10360705.